The following is an entry in ClinVar:

ClinVar aggregate classification (germline): Conflicting classifications of pathogenicity. Review status: criteria provided, conflicting classifications (1 of 4 stars). 3 submissions from 3 submitters: Uncertain significance (1); Likely benign (1). 1 of the submissions does not count toward it. Last evaluated 2022-08-27.

Conditions:
SLC2A1-related disorder. Also called: SLC2A1-related condition; SLC2A1-related disorders.
GLUT1 deficiency syndrome 1, autosomal recessive. Identifiers: MedGen C3149117.

Allele frequency attached by ClinVar (database versions not stated): gnomAD exomes below 0.00001.
gnomAD v4.1: 3 of 1,613,802 alleles (0.00019%); highest among the groups gnomAD compares: Non-Finnish European, 0.00017%; no homozygotes.

Submissions (3):

Labcorp Genetics (formerly Invitae), Labcorp
Classification: Likely benign for GLUT1 deficiency syndrome 1, autosomal recessive. Last evaluated: 2022-08-27. Review status: criteria provided, single submitter. Criteria: Invitae Variant Classification Sherloc (09022015). Collection method: clinical testing. Allele origin: germline.

CeGaT Center for Human Genetics Tuebingen
Classification: Uncertain significance. Last evaluated: 2017-09-01. Review status: criteria provided, single submitter. Criteria: CeGaT Center For Human Genetics Tuebingen Variant Classification Criteria Version 2. Collection method: clinical testing. Allele origin: germline. Affected: yes. Observed: 1 variant allele.

PreventionGenetics, part of Exact Sciences
Classification: Likely benign for SLC2A1-related condition. Last evaluated: 2019-06-28. Review status: no assertion criteria provided. Collection method: clinical testing. Allele origin: germline. Not counted in ClinVar's aggregate classification.
Comment: This variant is classified as likely benign based on ACMG/AMP sequence variant interpretation guidelines (Richards et al. 2015 PMID: 25741868, with internal and published modifications).

NM_006516.4(SLC2A1):c.1467T>C (p.Asp489=)

Gene: SLC2A1 (solute carrier family 2 member 1; minus strand). Cytogenetic location: 1p34.2.
Variant type: single nucleotide variant.
Coding change: c.1467T>C on transcript NM_006516.4 (MANE Select); coding-DNA position 1467, T replaced by C.
Protein change: p.Asp489=; no amino-acid change (aspartic acid 489 retained).
Molecular consequence: synonymous variant.
Genome position (GRCh38, 1-based): chr1:42,927,053, A>G on the plus strand (T>C on the coding strand, the complement: SLC2A1 is on the minus strand). VCF-style: chr1-42927053-A-G. GRCh37 (hg19) VCF-style: chr1-43392724-A-G.
Identifiers: ClinVar variation 493035 (VCV000493035.52), dbSNP rs1181822928, ClinGen allele CA417402377.
Genomic context (GRCh38, chr1:42,927,053, plus strand): 5'-GATCCTTAGGGCTGCTGGGAGCAGGCCGGGCTGGTGATCTGGGGCGACTCACACTTGGGA[A>G]TCAGCCCCCAGGGGATGGAACAGCTCCTCGGGTGTCTTGTCACTTTGGCTGGCTCCCCCC-3'
Protein context (NP_006507.2, residues 479-492): PEELFHPLGA[Asp489=]SQV